The following is an entry in ClinVar:

NM_002048.3(GAS1):c.454G>C (p.Gly152Arg)

Gene: GAS1 (growth arrest specific 1; minus strand). Cytogenetic location: 9q21.33.
Variant type: single nucleotide variant.
Coding change: c.454G>C on transcript NM_002048.3 (MANE Select); coding-DNA position 454, G replaced by C.
Protein change: p.Gly152Arg; replaces glycine 152 with arginine.
Molecular consequence: missense variant.
Genome position (GRCh38, 1-based): chr9:86,946,326, C>G on the plus strand (G>C on the coding strand, the complement: GAS1 is on the minus strand). VCF-style: chr9-86946326-C-G. GRCh37 (hg19) VCF-style: chr9-89561241-C-G.
Other names: short protein forms G152R.
Identifiers: ClinVar variation 4774205 (VCV004774205.1).
Genomic context (GRCh38, chr9:86,946,326, plus strand): 5'-GCCGCCGGGCCTCGGTGCAGCCCATGACCCCGCCCGCGCCGGGGCCGCCCGCGCCGCCGC[C>G]GCTCGTCCGGGGCAGGCACGGCTCAATGGCGCGCTTGGTGGACTTGCAGTTCTCGTCCTG-3'
Protein context (NP_002039.2, residues 142-162): AIEPCLPRTS[Gly152Arg]GGAGGPGAGG

ClinVar aggregate classification (germline): Uncertain significance (1 of 4 stars; one submission).

gnomAD v4.1: 3 of 1,416,674 alleles (0.00021%); highest among the groups gnomAD compares: South Asian, 0.0014%; no homozygotes.

Submission:

Labcorp Genetics (formerly Invitae), Labcorp
Classification: Uncertain significance. Last evaluated: 2025-12-15. Review status: criteria provided, single submitter. Criteria: Invitae Variant Classification Sherloc (09022015). Collection method: clinical testing. Allele origin: germline.
Comment: This sequence change replaces glycine, which is neutral and non-polar, with arginine, which is basic and polar, at codon 152 of the GAS1 protein (p.Gly152Arg). This variant is present in population databases (no rsID available, gnomAD 0.007%). This variant has not been reported in the literature in individuals affected with GAS1-related conditions. An algorithm developed to predict the effect of missense changes on protein structure and function (PolyPhen-2) suggests that this variant is likely to be tolerated. In summary, the available evidence is currently insufficient to determine the role of this variant in disease. Therefore, it has been classified as a Variant of Uncertain Significance.